The following is an entry in ClinVar:

ClinVar aggregate classification (germline): Uncertain significance. Review status: criteria provided, single submitter (1 of 4 stars). 2 submissions from 2 submitters: Uncertain significance (1). 1 of the submissions does not count toward it. Last evaluated 2024-06-05.

Conditions:
SCN9A-related disorder. Also called: SCN9A-related condition; SCN9A-related disorders.
Generalized epilepsy with febrile seizures plus, type 7 (GEFSP7). Also called: GEFS+, TYPE 7. Identifiers: Orphanet 36387, MedGen C2751778, MONDO:0013470, OMIM 613863.
Neuropathy, hereditary sensory and autonomic, type 2A (HSAN2A). Also called: NEUROPATHY, CONGENITAL SENSORY; NEUROPATHY, HEREDITARY SENSORY RADICULAR, AUTOSOMAL RECESSIVE; NEUROPATHY, HEREDITARY SENSORY, TYPE IIA; NEUROPATHY, PROGRESSIVE SENSORY, OF CHILDREN; HSAN IIA; MORVAN DISEASE. Identifiers: Orphanet 970, MedGen C2752089, MONDO:0024309, OMIM 201300.

Allele frequency attached by ClinVar (database versions not stated): gnomAD exomes 0.00001.
gnomAD v4.1: 8 of 1,612,738 alleles (0.0005%); highest among the groups gnomAD compares: African/African-American, 0.011%; no homozygotes.

Submissions (2):

Labcorp Genetics (formerly Invitae), Labcorp
Classification: Uncertain significance for Neuropathy, hereditary sensory and autonomic, type 2A; Generalized epilepsy with febrile seizures plus, type 7. Last evaluated: 2024-06-05. Review status: criteria provided, single submitter. Criteria: Invitae Variant Classification Sherloc (09022015). Collection method: clinical testing. Allele origin: germline.
Comment: This sequence change replaces threonine, which is neutral and polar, with alanine, which is neutral and non-polar, at codon 1533 of the SCN9A protein (p.Thr1533Ala). This variant is present in population databases (no rsID available, gnomAD 0.01%). This variant has not been reported in the literature in individuals affected with SCN9A-related conditions. ClinVar contains an entry for this variant (Variation ID: 1379697). Advanced modeling of protein sequence and biophysical properties (such as structural, functional, and spatial information, amino acid conservation, physicochemical variation, residue mobility, and thermodynamic stability) performed at Invitae indicates that this missense variant is not expected to disrupt SCN9A protein function with a negative predictive value of 95%. In summary, the available evidence is currently insufficient to determine the role of this variant in disease. Therefore, it has been classified as a Variant of Uncertain Significance.

PreventionGenetics, part of Exact Sciences
Classification: Uncertain significance for SCN9A-related condition. Last evaluated: 2024-03-27. Review status: no assertion criteria provided. Collection method: clinical testing. Allele origin: germline. Not counted in ClinVar's aggregate classification.
Comment: The SCN9A c.4597A>G variant is predicted to result in the amino acid substitution p.Thr1533Ala. To our knowledge, this variant has not been reported in the literature. This variant is reported in 0.013% of alleles in individuals of African descent in gnomAD. At this time, the clinical significance of this variant is uncertain due to the absence of conclusive functional and genetic evidence.

NM_001365536.1(SCN9A):c.4630A>G (p.Thr1544Ala)

Genes: SCN9A (sodium voltage-gated channel alpha subunit 9; minus strand), SCN1A-AS1 (SCN1A and SCN9A antisense RNA 1; plus strand). Cytogenetic location: 2q24.3.
Variant type: single nucleotide variant.
Coding change: c.4630A>G on transcript NM_001365536.1 (MANE Select); coding-DNA position 4630, A replaced by G.
Protein change: p.Thr1544Ala; replaces threonine 1544 with alanine.
Molecular consequence: missense variant.
Genome position (GRCh38, 1-based): chr2:166,204,099, T>C on the plus strand (A>G on the coding strand, the complement: SCN9A is on the minus strand). VCF-style: chr2-166204099-T-C. GRCh37 (hg19) VCF-style: chr2-167060609-T-C.
Other names: c.4597A>G, p.Thr1533Ala (NM_002977.4); short protein forms T1544A, T1533A.
Identifiers: ClinVar variation 1379697 (VCV001379697.9), dbSNP rs1228583442, ClinGen allele CA349057624.